The following is an entry in ClinVar:

ClinVar aggregate classification (germline): Conflicting classifications of pathogenicity. Review status: criteria provided, conflicting classifications (1 of 4 stars). 3 submissions from 3 submitters: Uncertain significance (2); Likely benign (1). Last evaluated 2026-07-14.

Conditions:
ADGRV1-related disorder. Also called: ADGRV1-related condition; ADGRV1-related disorders.

Allele frequency attached by ClinVar (database versions not stated): gnomAD exomes 0.00002; ExAC 0.00005; gnomAD 0.00005 and 0.00006; TOPMed 0.00007; ESP Exome Variant Server 0.00008.
gnomAD v4.1: 50 of 1,613,308 alleles (0.0031%); highest among the groups gnomAD compares: African/African-American, 0.027%; no homozygotes.

Submissions (3):

PreventionGenetics, part of Exact Sciences
Classification: Uncertain significance for ADGRV1-related condition. Last evaluated: 2026-07-14. Review status: criteria provided, single submitter. Criteria: ACMG Guidelines, 2015. Collection method: clinical testing. Allele origin: germline.
Comment: The ADGRV1 c.11675G>A variant is predicted to result in the amino acid substitution p.Arg3892Gln. To our knowledge, this variant has not been reported in the literature. This variant is reported in 0.012% of alleles in individuals of African descent in gnomAD. At this time, the clinical significance of this variant is uncertain due to the absence of conclusive functional and genetic evidence.

Labcorp Genetics (formerly Invitae), Labcorp
Classification: Likely benign. Last evaluated: 2026-01-26. Review status: criteria provided, single submitter. Criteria: Invitae Variant Classification Sherloc (09022015). Collection method: clinical testing. Allele origin: germline.

GeneDx
Classification: Uncertain significance. Last evaluated: 2025-03-04. Review status: criteria provided, single submitter. Criteria: GeneDx Variant Classification Process June 2021. Collection method: clinical testing. Allele origin: germline. Affected: yes.
Comment: In silico analysis indicates that this missense variant does not alter protein structure/function; Has not been previously published as pathogenic or benign to our knowledge

NM_032119.4(ADGRV1):c.11675G>A (p.Arg3892Gln)

Gene: ADGRV1 (adhesion G protein-coupled receptor V1; plus strand). Cytogenetic location: 5q14.3.
Variant type: single nucleotide variant.
Coding change: c.11675G>A on transcript NM_032119.4 (MANE Select); coding-DNA position 11675, G replaced by A.
Protein change: p.Arg3892Gln; replaces arginine 3892 with glutamine.
Molecular consequence: missense variant. On other transcripts: non-coding transcript variant (1).
Genome position (GRCh38, 1-based): chr5:90,756,548, G>A. VCF-style: chr5-90756548-G-A. GRCh37 (hg19) VCF-style: chr5-90052365-G-A.
Other names: c.11675G>A (NM_032119.3); short protein forms R3892Q.
Identifiers: ClinVar variation 1015539 (VCV001015539.10), dbSNP rs376201106, ClinGen allele CA3341021.